The following is an entry in ClinVar:

NM_003128.3(SPTBN1):c.355G>A (p.Ala119Thr)

Gene: SPTBN1 (spectrin beta, non-erythrocytic 1; plus strand). Cytogenetic location: 2p16.2.
Variant type: single nucleotide variant.
Coding change: c.355G>A on transcript NM_003128.3 (MANE Select); coding-DNA position 355, G replaced by A.
Protein change: p.Ala119Thr; replaces alanine 119 with threonine.
Molecular consequence: missense variant.
Genome position (GRCh38, 1-based): chr2:54,612,215, G>A. VCF-style: chr2-54612215-G-A. GRCh37 (hg19) VCF-style: chr2-54839352-G-A.
Other names: p.Ala119Thr; c.316G>A, p.Ala106Thr (NM_178313.3); short protein forms A106T, A119T.
Identifiers: ClinVar variation 4073626 (VCV004073626.1).

ClinVar aggregate classification (germline): Uncertain significance (1 of 4 stars; one submission).

Conditions:
Developmental delay, impaired speech, and behavioral abnormalities. Identifiers: MedGen C5561957, MONDO:0859178, OMIM 619475.

gnomAD v4.1: 3 of 1,613,670 alleles (0.00019%); highest among the groups gnomAD compares: Admixed American, 0.0017%; no homozygotes.

Submission:

Foundation for Research in Genetics and Endocrinology, FRIGE's Institute of Human Genetics
Classification: Uncertain significance for Developmental delay, impaired speech, and behavioral abnormalities. Last evaluated: 2025-07-28. Review status: criteria provided, single submitter. Criteria: ACMG Guidelines, 2015. Collection method: clinical testing. Allele origin: germline. Inheritance: Autosomal dominant inheritance. Affected: yes. Observed: 1 heterozygote.
Comment: A heterozygous missense variant in exon 4 of the SPTBN1 gene that results in the amino acid substitution of Threonine for Alanine at codon 119 (p.Ala119Thr) was detected. The variant has not been reported in the 1000 genomes, gnomAD (v2.1) and topmed databases and has a minor allele frequency of 0.0006% in the gnomAD (v3.1) databases. The in silico predictions of the variant are probably damaging by PolyPhen-2 and damaging by SIFT, LRT and MutationTaster2. The reference codon is conserved across species. In summary, the variant meets our criteria to be classified as a variant uncertain significance.